The following is an entry in ClinVar:

ClinVar aggregate classification (germline): Pathogenic. Review status: reviewed by expert panel (3 of 4 stars). 4 submissions from 4 submitters: Pathogenic (1). 3 of the submissions do not count toward it. Last evaluated 2024-02-02.

Conditions:
Hereditary factor VIII deficiency disease (HEMA). Also called: HEMOPHILIA, CLASSIC; AUTOSOMAL HEMOPHILIA A; Hemophilia A; Hemophilia A, congenital; HEM A; Factor 8 deficiency, congenital. Identifiers: Orphanet 98878, MedGen C0019069, MONDO:0010602, OMIM 306700.
F8-related disorder. Also called: F8-related condition.

Allele frequency attached by ClinVar (database versions not stated): TOPMed 0.00001.

Submissions (4):

ClinGen Coagulation Factor Deficiency Variant Curation Expert Panel, Clingen
Classification: Pathogenic for Hereditary factor VIII deficiency disease. Last evaluated: 2024-02-02. Review status: reviewed by expert panel. Criteria: ClinGen CoagFactor ACMG Specifications F8 V1.0.0. Collection method: curation. Allele origin: germline. Inheritance: X-linked inheritance.
Comment: The NM_000132.4(F8):c.1899G>T (p.Met633Ile) variant is completely absent from population databases (gnomAD v2.1.1/gnomAD v3) meeting PM2_Supporting. This missense variant has a REVEL score of 0.88 (>0.6) meeting PP3. At least 9 individuals with hemophilia A (mix of severities from severe to mild reported) from the literature are reported with the Met633Ile variant (PMID: 29296726, PMID: 19369668, PMID: 9886318 and PMID: 18691168) meeting PS4_Very strong and PP4_Moderate. In summary, this variant meets criteria to be classified as pathogenic. ACMG/AMP criteria applied, as specified by the Coagulation Factor Deficiency Variant Curation Expert Panel for F8/F9: PS4_Very strong, PP4_Moderate, PP3, PM2_Supporting.

Women's Health and Genetics/Laboratory Corporation of America, LabCorp
Classification: Pathogenic for Hereditary factor VIII deficiency disease. Last evaluated: 2026-02-17. Review status: criteria provided, single submitter. Criteria: LabCorp Variant Classification Summary - May 2015. Collection method: clinical testing. Allele origin: germline. Not counted in ClinVar's aggregate classification.
Comment: Variant summary: F8 c.1899G>T (p.Met633Ile) results in a conservative amino acid change in the encoded protein sequence. Algorithms developed to predict the effect of missense changes on protein structure and function are either unavailable or do not agree on the potential impact of this missense change. The variant was absent in 183380 control chromosomes. c.1899G>T has been observed in multiple individuals affected with Factor VIII Deficiency (Hemophilia A) (e.g. Liu_1998, Eckhardt_2013, Johnsen_2017). These data indicate that the variant is very likely to be associated with disease. To our knowledge, no experimental evidence demonstrating an impact on protein function has been reported. The following publications have been ascertained in the context of this evaluation (PMID: 9886318, 23926300, 29296726). ClinVar contains an entry for this variant (Variation ID: 2775444). Based on the evidence outlined above, the variant was classified as pathogenic.

PreventionGenetics, part of Exact Sciences
Classification: Pathogenic for F8-related condition. Last evaluated: 2025-11-17. Review status: criteria provided, single submitter. Criteria: ACMG Guidelines, 2015. Collection method: clinical testing. Allele origin: germline. Not counted in ClinVar's aggregate classification.
Comment: The F8 c.1899G>T variant is predicted to result in the amino acid substitution p.Met633Ile. This variant, also described as p.Met614Ile in legacy nomenclature, has been reported in many individuals with mild to severe hemophilia A (table III, Liu et al. 1998. PubMed ID: 9886318; table S1, Markoff et al. 2009. PubMed ID: 19473423; fig 2, Viel et al. 2009. PubMed ID: 19369668; table S7a, Johnsen et al. 2017. PubMed ID: 29296726). This variant has not been reported in a large population database (gnomAD), indicating this variant is rare. This variant is interpreted as pathogenic by the ClinGen Coagulation Factor Deficiency Variant Curation Expert Panel in ClinVar (ClinVar ID: 2775444). This variant is interpreted as pathogenic.

GeneDx
Classification: Pathogenic. Last evaluated: 2025-03-05. Review status: criteria provided, single submitter. Criteria: GeneDx Variant Classification Process June 2021. Collection method: clinical testing. Allele origin: germline. Affected: yes. Not counted in ClinVar's aggregate classification.
Comment: In silico analysis supports that this missense variant has a deleterious effect on protein structure/function; Not observed at significant frequency in large population cohorts (gnomAD); Also known as M614I; This variant is associated with the following publications: (PMID: 34275734, 32849511, 19473423, 25244644, 29296726, 9886318, 18691168, 19369668, 26582918)

Literature cited by the submitters: PubMed 23926300 (cited by Women's Health and Genetics/Laboratory Corporation of America, LabCorp); PubMed 29296726 (cited by Women's Health and Genetics/Laboratory Corporation of America, LabCorp); PubMed 9886318 (cited by Women's Health and Genetics/Laboratory Corporation of America, LabCorp).

NM_000132.4(F8):c.1899G>T (p.Met633Ile)

Gene: F8 (coagulation factor VIII; minus strand). Cytogenetic location: Xq28.
Variant type: single nucleotide variant.
Coding change: c.1899G>T on transcript NM_000132.4 (MANE Select); coding-DNA position 1899, G replaced by T.
Protein change: p.Met633Ile; replaces methionine 633 with isoleucine.
Molecular consequence: missense variant.
Genome position (GRCh38, 1-based): chrX:154,953,896, C>A on the plus strand (G>T on the coding strand, the complement: F8 is on the minus strand). VCF-style: chrX-154953896-C-A. GRCh37 (hg19) VCF-style: chrX-154182171-C-A.
Other names: NM_000132.4:c.1899G>T; c.1899G>T (NM_000132.3); short protein forms M633I.
Identifiers: ClinVar variation 2775444 (VCV002775444.5), dbSNP rs2073350107, ClinGen allele CA414910251.